The following is an entry in ClinVar:

ClinVar aggregate classification (germline): Pathogenic (1 of 4 stars; one submission).

Conditions:
Cohen syndrome (COH1). Also called: Cutis verticis gyrata, retinitis pigmentosa, and sensorineural deafness; PEPPER SYNDROME. Identifiers: Orphanet 193, MedGen C0265223, MONDO:0008999, OMIM 216550.

Allele frequency attached by ClinVar (database versions not stated): ExAC 0.00001; gnomAD 0.00001; 1000 Genomes Project 30x 0.00016; 1000 Genomes Project 0.00020.
gnomAD v4.1: 1 of 1,614,088 alleles (0.000062%); highest among the groups gnomAD compares: African/African-American, 0.0013%; no homozygotes.

Submission:

Labcorp Genetics (formerly Invitae), Labcorp
Classification: Pathogenic for Cohen syndrome. Last evaluated: 2023-03-02. Review status: criteria provided, single submitter. Criteria: Invitae Variant Classification Sherloc (09022015). Collection method: clinical testing. Allele origin: germline.
Comment: For these reasons, this variant has been classified as Pathogenic. This variant has not been reported in the literature in individuals affected with VPS13B-related conditions. This variant is present in population databases (rs533575514, gnomAD 0.007%). This sequence change creates a premature translational stop signal (p.Glu48*) in the VPS13B gene. It is expected to result in an absent or disrupted protein product. Loss-of-function variants in VPS13B are known to be pathogenic (PMID: 15141358, 16648375, 20461111).

Literature cited by the submitters: PubMed 15141358; PubMed 16648375; PubMed 20461111.

NM_152564.5(VPS13B):c.142G>T (p.Glu48Ter)

Gene: VPS13B (vacuolar protein sorting 13 homolog B; plus strand). Cytogenetic location: 8q22.2.
Variant type: single nucleotide variant.
Coding change: c.142G>T on transcript NM_152564.5 (MANE Select); coding-DNA position 142, G replaced by T.
Protein change: p.Glu48Ter; replaces glutamic acid 48 with a stop codon.
Molecular consequence: nonsense. On other transcripts: non-coding transcript variant (1).
Genome position (GRCh38, 1-based): chr8:99,013,930, G>T. VCF-style: chr8-99013930-G-T. GRCh37 (hg19) VCF-style: chr8-100026158-G-T.
Other names: c.142G>T, p.Glu48Ter (NM_015243.3, NM_017890.5, NM_181661.3); short protein forms E48*.
Identifiers: ClinVar variation 2839485 (VCV002839485.3), dbSNP rs533575514, ClinGen allele CA4822286.